The following is an entry in ClinVar:

NM_181712.5(KANK4):c.1749G>A (p.Pro583=)

Gene: KANK4 (KN motif and ankyrin repeat domains 4; minus strand). Cytogenetic location: 1p31.3.
Variant type: single nucleotide variant.
Coding change: c.1749G>A on transcript NM_181712.5 (MANE Select); coding-DNA position 1749, G replaced by A.
Protein change: p.Pro583=; no amino-acid change (proline 583 retained).
Molecular consequence: synonymous variant. On other transcripts: intron variant (1).
Genome position (GRCh38, 1-based): chr1:62,273,355, C>T on the plus strand (G>A on the coding strand, the complement: KANK4 is on the minus strand). VCF-style: chr1-62273355-C-T. GRCh37 (hg19) VCF-style: chr1-62739027-C-T.
Other names: c.17-1766G>A (NM_001320269.2).
Identifiers: ClinVar variation 2064618 (VCV002064618.24), dbSNP rs192453281, ClinGen allele CA884321.

ClinVar aggregate classification (germline): Benign/Likely benign. Review status: criteria provided, multiple submitters, no conflicts (2 of 4 stars). 3 submissions from 3 submitters: Benign (1); Likely benign (2). Last evaluated 2025-10-23.

Allele frequency attached by ClinVar (database versions not stated): TOPMed 0.00010; gnomAD 0.00018; gnomAD exomes 0.00023; ExAC 0.00065; 1000 Genomes Project 30x 0.00172; 1000 Genomes Project 0.00200.
gnomAD v4.1: 357 of 1,607,986 alleles (0.022%); highest among the groups gnomAD compares: South Asian, 0.32%; 1 homozygote.

Submissions (3):

Labcorp Genetics (formerly Invitae), Labcorp
Classification: Benign. Last evaluated: 2025-10-23. Review status: criteria provided, single submitter. Criteria: Invitae Variant Classification Sherloc (09022015). Collection method: clinical testing. Allele origin: germline.

Blueprint Genetics
Classification: Likely benign. Last evaluated: 2024-11-06. Review status: criteria provided, single submitter. Criteria: ACMG Guidelines, 2015. Collection method: clinical testing. Allele origin: germline.

CeGaT Center for Human Genetics Tuebingen
Classification: Likely benign. Last evaluated: 2024-05-01. Review status: criteria provided, single submitter. Criteria: CeGaT Center For Human Genetics Tuebingen Variant Classification Criteria Version 2. Collection method: clinical testing. Allele origin: germline. Affected: yes. Observed: 1 variant allele.
Comment: KANK4: BP4, BP7